The following is an entry in ClinVar:

NM_001130823.3(DNMT1):c.4095G>A (p.Lys1365=)

Gene: DNMT1 (DNA methyltransferase 1; minus strand). Cytogenetic location: 19p13.2.
Variant type: single nucleotide variant.
Coding change: c.4095G>A on transcript NM_001130823.3 (MANE Select); coding-DNA position 4095, G replaced by A.
Protein change: p.Lys1365=; no amino-acid change (lysine 1365 retained).
Molecular consequence: synonymous variant.
Genome position (GRCh38, 1-based): chr19:10,138,459, C>T on the plus strand (G>A on the coding strand, the complement: DNMT1 is on the minus strand). VCF-style: chr19-10138459-C-T. GRCh37 (hg19) VCF-style: chr19-10249135-C-T.
Other names: c.4047G>A, p.Lys1349= (NM_001318730.2, NM_001379.4); c.3732G>A, p.Lys1244= (NM_001318731.2).
Identifiers: ClinVar variation 3898374 (VCV003898374.7).

ClinVar aggregate classification (germline): Likely benign (1 of 4 stars; one submission).

Submission:

CeGaT Center for Human Genetics Tuebingen
Classification: Likely benign. Last evaluated: 2025-04-01. Review status: criteria provided, single submitter. Criteria: CeGaT Center For Human Genetics Tuebingen Variant Classification Criteria Version 2. Collection method: clinical testing. Allele origin: germline. Affected: yes. Observed: 1 variant allele.
Comment: DNMT1: PM2:Supporting, BP4, BP7